The following is an entry in ClinVar:

ClinVar aggregate classification (germline): Pathogenic (1 of 4 stars; one submission).

Conditions:
Maple syrup urine disease type 1A (MSUD1A). Also called: MSUD type 1A. Identifiers: MedGen C1855369, MONDO:0023691, OMIM 248600.

Submission:

Myriad Genetics, Inc.
Classification: Pathogenic for Maple syrup urine disease type 1A. Last evaluated: 2026-04-28. Review status: criteria provided, single submitter. Criteria: Myriad Autosomal Dominant, Autosomal Recessive and X-Linked Classification Criteria (2023). Collection method: clinical testing. Allele origin: unknown.
Comment: NM_000709.3(BCKDHA):c.56delA(Q19Rfs*44) is a frameshift variant classified as pathogenic in the context of maple syrup urine disease type Ia. Q19Rfs*44 has not been observed in cases with relevant disease. Relevant functional assessments of this variant are not available in the literature. Q19Rfs*44 has not been observed in referenced population frequency databases. In summary, NM_000709.3(BCKDHA):c.56delA(Q19Rfs*44) is a frameshift variant in a gene where loss of function is a known mechanism of disease and is predicted to disrupt protein function. Please note: this variant was assessed in the context of healthy population screening.

NM_000709.4(BCKDHA):c.56del (p.Gln19fs)

Gene: BCKDHA (branched chain keto acid dehydrogenase E1 subunit alpha; plus strand). Cytogenetic location: 19q13.2.
Variant type: Deletion.
Coding change: c.56del on transcript NM_000709.4 (MANE Select); coding-DNA position 56, one base deleted (A; older notation c.56delA).
Protein change: p.Gln19fs; shifts the reading frame from glutamine 19.
Molecular consequence: frameshift variant.
Genome position (GRCh38, 1-based): chr19:41,397,883, A deleted. VCF-style (leftmost placement, unchanged base first): chr19-41397882-CA-C. GRCh37 (hg19) VCF-style: chr19-41903787-CA-C.
Other names: c.56del, p.Gln19fs (NM_001164783.2); short protein forms Q19fs.
Identifiers: ClinVar variation 5003454 (VCV005003454.1).